The following is an entry in ClinVar:

ClinVar aggregate classification (germline): Uncertain significance (1 of 4 stars; one submission).

Submission:

GeneDx
Classification: Uncertain significance. Last evaluated: 2025-06-09. Review status: criteria provided, single submitter. Criteria: GeneDx Variant Classification Process June 2021. Collection method: clinical testing. Allele origin: germline. Affected: yes.
Comment: Not observed at significant frequency in large population cohorts (gnomAD); In silico analysis suggests that this missense variant does not alter protein structure/function; Has not been previously published as pathogenic or benign to our knowledge

NM_170606.3(KMT2C):c.955G>A (p.Asp319Asn)

Gene: KMT2C (lysine methyltransferase 2C; minus strand). Cytogenetic location: 7q36.1.
Variant type: single nucleotide variant.
Coding change: c.955G>A on transcript NM_170606.3 (MANE Select); coding-DNA position 955, G replaced by A.
Protein change: p.Asp319Asn; replaces aspartic acid 319 with asparagine.
Molecular consequence: missense variant.
Genome position (GRCh38, 1-based): chr7:152,273,762, C>T on the plus strand (G>A on the coding strand, the complement: KMT2C is on the minus strand). VCF-style: chr7-152273762-C-T. GRCh37 (hg19) VCF-style: chr7-151970847-C-T.
Other names: short protein forms D319N.
Identifiers: ClinVar variation 4537985 (VCV004537985.1).